The following is an entry in ClinVar:

NM_001098511.3(KIF2A):c.686G>T (p.Arg229Ile)

Gene: KIF2A (kinesin family member 2A; plus strand). Cytogenetic location: 5q12.1.
Variant type: single nucleotide variant.
Coding change: c.686G>T on transcript NM_001098511.3 (MANE Select); coding-DNA position 686, G replaced by T.
Protein change: p.Arg229Ile; replaces arginine 229 with isoleucine.
Molecular consequence: missense variant.
Genome position (GRCh38, 1-based): chr5:62,357,722, G>T. VCF-style: chr5-62357722-G-T. GRCh37 (hg19) VCF-style: chr5-61653549-G-T.
Other names: c.605G>T, p.Arg202Ile (NM_001243952.2); c.629G>T, p.Arg210Ile (NM_001243953.2); c.686G>T, p.Arg229Ile (NM_004520.5); short protein forms R202I, R210I, R229I.
Identifiers: ClinVar variation 4881089 (VCV004881089.2).
Genomic context (GRCh38, chr5:62,357,722, plus strand): 5'-CACTGAAATAAAATACTTTTTATTTCTAGATTGATGAACATAGGATATGTGTGTGTGTAA[G>T]AAAACGACCACTCAATAAAAAAGGTATGGCACTTAATGAGCTCTAATAAAAGATTGATTT-3'
Protein context (NP_001091981.1, residues 219-239): IDEHRICVCV[Arg229Ile]KRPLNKKETQ

ClinVar aggregate classification (germline): Uncertain significance (1 of 4 stars; one submission).

Conditions:
Complex cortical dysplasia with other brain malformations 3. Identifiers: MedGen C3809414, MONDO:0014170, OMIM 615411.

Submission:

Dasa
Classification: Uncertain significance for Complex cortical dysplasia with other brain malformations 3. Last evaluated: 2025-04-01. Review status: criteria provided, single submitter. Criteria: DASA Assertion Criteria. Collection method: clinical testing. Allele origin: germline.
Comment: NM_001098511.3(KIF2A):c.686G>T (p.Arg229Ile) is a missense variant that results in the substitution of arginine with isoleucine. This variant is absent from population databases. Computational prediction algorithms are consistent with a deleterious effect. The currently available literature and clinical evidence are not sufficient to establish a definitive association between this variant and the reported condition. Therefore, this variant is classified as a variant of uncertain significance.